The following is an entry in ClinVar:

ClinVar aggregate classification (germline): Likely benign (0 of 4 stars; one submission).

Conditions:
ISL1-related disorder. Also called: ISL1-related condition.

Submission:

PreventionGenetics, part of Exact Sciences
Classification: Likely benign for ISL1-related condition. Last evaluated: 2019-04-09. Review status: no assertion criteria provided. Collection method: clinical testing. Allele origin: germline.
Comment: This variant is classified as likely benign based on ACMG/AMP sequence variant interpretation guidelines (Richards et al. 2015 PMID: 25741868, with internal and published modifications).

NM_002202.3(ISL1):c.33A>G (p.Lys11=)

Gene: ISL1 (ISL LIM homeobox 1; plus strand). Cytogenetic location: 5q11.1.
Variant type: single nucleotide variant.
Coding change: c.33A>G on transcript NM_002202.3 (MANE Select); coding-DNA position 33, A replaced by G.
Protein change: p.Lys11=; no amino-acid change (lysine 11 retained).
Molecular consequence: synonymous variant.
Genome position (GRCh38, 1-based): chr5:51,384,545, A>G. VCF-style: chr5-51384545-A-G. GRCh37 (hg19) VCF-style: chr5-50680379-A-G.
Identifiers: ClinVar variation 3349401 (VCV003349401.1).